The following is an entry in ClinVar:

ClinVar aggregate classification (germline): Likely benign (1 of 4 stars; one submission).

Submission:

CeGaT Center for Human Genetics Tuebingen
Classification: Likely benign. Last evaluated: 2026-01-01. Review status: criteria provided, single submitter. Criteria: CeGaT Center For Human Genetics Tuebingen Variant Classification Criteria Version 2. Collection method: clinical testing. Allele origin: germline. Affected: yes. Observed: 1 variant allele.
Comment: NACA: BP4, BP7

NM_001365896.1(NACA):c.2919A>T (p.Pro973=)

Gene: NACA (nascent polypeptide associated complex subunit alpha; minus strand). Cytogenetic location: 12q13.3.
Variant type: single nucleotide variant.
Coding change: c.2919A>T on transcript NM_001365896.1 (MANE Select); coding-DNA position 2919, A replaced by T.
Protein change: p.Pro973=; no amino-acid change (proline 973 retained).
Molecular consequence: synonymous variant. On other transcripts: intron variant (6).
Genome position (GRCh38, 1-based): chr12:56,718,611, T>A on the plus strand (A>T on the coding strand, the complement: NACA is on the minus strand). VCF-style: chr12-56718611-T-A. GRCh37 (hg19) VCF-style: chr12-57112395-T-A.
Other names: c.71-3924A>T (NM_001113202.2, NM_001320194.2, NM_001320193.2 and 2 more transcripts); c.1864+926A>T (NM_001113203.3).
Identifiers: ClinVar variation 4821258 (VCV004821258.4).